The following is an entry in ClinVar:

ClinVar aggregate classification (germline): Uncertain significance (1 of 4 stars; one submission).

Submission:

Labcorp Genetics (formerly Invitae), Labcorp
Classification: Uncertain significance. Last evaluated: 2023-10-04. Review status: criteria provided, single submitter. Criteria: Invitae Variant Classification Sherloc (09022015). Collection method: clinical testing. Allele origin: germline.
Comment: This sequence change replaces serine, which is neutral and polar, with proline, which is neutral and non-polar, at codon 82 of the SMAD2 protein (p.Ser82Pro). This variant is not present in population databases (gnomAD no frequency). This variant has not been reported in the literature in individuals affected with SMAD2-related conditions. Advanced modeling of protein sequence and biophysical properties (such as structural, functional, and spatial information, amino acid conservation, physicochemical variation, residue mobility, and thermodynamic stability) performed at Invitae indicates that this missense variant is not expected to disrupt SMAD2 protein function. In summary, the available evidence is currently insufficient to determine the role of this variant in disease. Therefore, it has been classified as a Variant of Uncertain Significance.

NM_005901.6(SMAD2):c.244T>C (p.Ser82Pro)

Gene: SMAD2 (SMAD family member 2; minus strand). Cytogenetic location: 18q21.1.
Variant type: single nucleotide variant.
Coding change: c.244T>C on transcript NM_005901.6 (MANE Select); coding-DNA position 244, T replaced by C.
Protein change: p.Ser82Pro; replaces serine 82 with proline.
Molecular consequence: missense variant. On other transcripts: intron variant (1).
Genome position (GRCh38, 1-based): chr18:47,870,557, A>G on the plus strand (T>C on the coding strand, the complement: SMAD2 is on the minus strand). VCF-style: chr18-47870557-A-G. GRCh37 (hg19) VCF-style: chr18-45396928-A-G.
Other names: c.244T>C, p.Ser82Pro (NM_001003652.4); c.237-1121T>C (NM_001135937.3); short protein forms S82P.
Identifiers: ClinVar variation 2750195 (VCV002750195.3), dbSNP rs2511354421, ClinGen allele CA402502449.
Genomic context (GRCh38, chr18:47,870,557, plus strand): 5'-AAAGGCCTGTTGTATCCCACTGATCTATCGTATTTGGTGTACTCAGTCCCCAAATTTCAG[A>G]GCAAGTGCTGTGCATAAATTGAAAAACAAAAAATTGATGTGAACATGGAAGCATGGTTAT-3'
Protein context (NP_005892.1, residues 72-92): TKCVTIPSTC[Ser82Pro]EIWGLSTPNT